The following is an entry in ClinVar:

NM_003982.4(SLC7A7):c.578T>C (p.Leu193Ser)

Gene: SLC7A7 (solute carrier family 7 member 7; minus strand). Cytogenetic location: 14q11.2.
Variant type: single nucleotide variant.
Coding change: c.578T>C on transcript NM_003982.4 (MANE Select); coding-DNA position 578, T replaced by C.
Protein change: p.Leu193Ser; replaces leucine 193 with serine.
Molecular consequence: missense variant.
Genome position (GRCh38, 1-based): chr14:22,779,973, A>G on the plus strand (T>C on the coding strand, the complement: SLC7A7 is on the minus strand). VCF-style: chr14-22779973-A-G. GRCh37 (hg19) VCF-style: chr14-23249182-A-G.
Other names: p.Leu193Ser; c.578T>C, p.Leu193Ser (NM_001126105.3, NM_001126106.4); short protein forms L193S.
Identifiers: ClinVar variation 4541817 (VCV004541817.1).

ClinVar aggregate classification (germline): Uncertain significance (1 of 4 stars; one submission).

Submission:

Mayo Clinic Laboratories, Mayo Clinic
Classification: Uncertain significance. Last evaluated: 2025-07-11. Review status: criteria provided, single submitter. Criteria: ACMG Guidelines, 2015. Collection method: clinical testing. Allele origin: germline. Observed: 1 variant allele.
Comment: PM2_supporting